The following is an entry in ClinVar:

ClinVar aggregate classification (germline): Uncertain significance. Review status: criteria provided, multiple submitters, no conflicts (2 of 4 stars). 2 submissions from 2 submitters: Uncertain significance (2). Last evaluated 2025-08-20.

Conditions:
PKD2-related disorder. Also called: PKD2-related condition.

Submissions (2):

GeneDx
Classification: Uncertain significance. Last evaluated: 2025-08-20. Review status: criteria provided, single submitter. Criteria: GeneDx Variant Classification Process June 2021. Collection method: clinical testing. Allele origin: germline. Affected: yes.
Comment: Not observed at significant frequency in large population cohorts (gnomAD); In silico analysis supports a deleterious effect on splicing; Has not been previously published as pathogenic or benign to our knowledge

PreventionGenetics, part of Exact Sciences
Classification: Uncertain significance for PKD2-related condition. Last evaluated: 2025-03-25. Review status: criteria provided, single submitter. Criteria: ACMG Guidelines, 2015. Collection method: clinical testing. Allele origin: germline.
Comment: The PKD2 c.1549-6T>A variant is predicted to interfere with splicing. This variant is predicted to alter splicing based on available splicing prediction programs (SpliceAI, Jaganathan et al. 2019. PubMed ID: 30661751). However, the use of computer prediction programs is not equivalent to functional evidence. To our knowledge, this variant has not been reported in the literature or in a large population database (gnomAD), indicating this variant is rare. At this time, the clinical significance of this variant is uncertain due to the absence of conclusive functional and genetic evidence.

NM_000297.4(PKD2):c.1549-6T>A

Gene: PKD2 (polycystin 2, transient receptor potential cation channel; plus strand). Cytogenetic location: 4q22.1.
Variant type: single nucleotide variant.
Coding change: c.1549-6T>A on transcript NM_000297.4 (MANE Select); 6 bases into the intron before coding-DNA position 1549, T replaced by A.
Molecular consequence: intron variant.
Genome position (GRCh38, 1-based): chr4:88,051,985, T>A. VCF-style: chr4-88051985-T-A. GRCh37 (hg19) VCF-style: chr4-88973137-T-A.
Other names: c.1324-6T>A (NM_001440544.1); c.1549-6T>A (NM_000297.3).
Identifiers: ClinVar variation 4796670 (VCV004796670.2).
Genomic context (GRCh38, chr4:88,051,985, plus strand): 5'-GTCATATTAAGGTAAGTTTCATATTTCTAAAACACTGTAATAAAATATAAATATTTTGCT[T>A]TTCAGCTGTCAGTGGTAGCTATAGGAATTAACATATACAGAACATCAAATGTGGAGGTGC-3'